The following is an entry in ClinVar:

ClinVar aggregate classification (germline): Uncertain significance. Review status: criteria provided, multiple submitters, no conflicts (2 of 4 stars). 2 submissions from 2 submitters: Uncertain significance (2). Last evaluated 2025-12-02.

Conditions:
Inborn genetic diseases. Identifiers: MedGen C0950123, MeSH D030342.

Allele frequency attached by ClinVar (database versions not stated): gnomAD exomes 0.00001; ExAC 0.00002.
gnomAD v4.1: 3 of 1,613,718 alleles (0.00019%); highest among the groups gnomAD compares: Admixed American, 0.005%; no homozygotes.

Submissions (2):

Ambry Genetics
Classification: Uncertain significance for Inborn genetic diseases. Last evaluated: 2025-12-02. Review status: criteria provided, single submitter. Criteria: Ambry Variant Classification Scheme 2023. Collection method: clinical testing. Allele origin: germline.

Labcorp Genetics (formerly Invitae), Labcorp
Classification: Uncertain significance. Last evaluated: 2019-11-20. Review status: criteria provided, single submitter. Criteria: Invitae Variant Classification Sherloc (09022015). Collection method: clinical testing. Allele origin: germline.
Comment: This sequence change replaces phenylalanine with leucine at codon 478 of the NEDD4L protein (p.Phe478Leu). The phenylalanine residue is moderately conserved and there is a small physicochemical difference between phenylalanine and leucine. This variant is present in population databases (rs752290215, ExAC 0.02%). This variant has not been reported in the literature in individuals with NEDD4L-related conditions. Algorithms developed to predict the effect of missense changes on protein structure and function (SIFT, PolyPhen-2, Align-GVGD) all suggest that this variant is likely to be tolerated, but these predictions have not been confirmed by published functional studies and their clinical significance is uncertain. In summary, the available evidence is currently insufficient to determine the role of this variant in disease. Therefore, it has been classified as a Variant of Uncertain Significance.

NM_001144967.3(NEDD4L):c.1494C>G (p.Phe498Leu)

Gene: NEDD4L (NEDD4 like E3 ubiquitin protein ligase; plus strand). Cytogenetic location: 18q21.31.
Variant type: single nucleotide variant.
Coding change: c.1494C>G on transcript NM_001144967.3 (MANE Select); coding-DNA position 1494, C replaced by G.
Protein change: p.Phe498Leu; replaces phenylalanine 498 with leucine.
Molecular consequence: missense variant.
Genome position (GRCh38, 1-based): chr18:58,343,022, C>G. VCF-style: chr18-58343022-C-G. GRCh37 (hg19) VCF-style: chr18-56010254-C-G.
Other names: c.1131C>G, p.Phe377Leu (NM_001144964.1, NM_001144965.2, NM_001144966.3); c.1470C>G, p.Phe490Leu (NM_001144968.2); c.1410C>G, p.Phe470Leu (NM_001144969.2); c.1071C>G, p.Phe357Leu (NM_001144970.3, NM_001144971.2); c.1302C>G, p.Phe434Leu (NM_001243960.2); c.1434C>G, p.Phe478Leu (NM_015277.6); short protein forms F357L, F498L, F470L, F478L, F434L, F377L, F490L.
Identifiers: ClinVar variation 861218 (VCV000861218.10), dbSNP rs752290215, ClinGen allele CA8975703.